The following is an entry in ClinVar:

NM_000152.5(GAA):c.31C>T (p.Arg11Trp)

Gene: GAA (alpha glucosidase; plus strand). Cytogenetic location: 17q25.3.
Variant type: single nucleotide variant.
Coding change: c.31C>T on transcript NM_000152.5 (MANE Select); coding-DNA position 31, C replaced by T.
Protein change: p.Arg11Trp; replaces arginine 11 with tryptophan.
Molecular consequence: missense variant.
Genome position (GRCh38, 1-based): chr17:80,104,617, C>T. VCF-style: chr17-80104617-C-T. GRCh37 (hg19) VCF-style: chr17-78078416-C-T.
Other names: c.31C>T (LRG_673t1); c.31C>T, p.Arg11Trp (NM_001079803.3, NM_001079804.3); short protein forms R11W.
Identifiers: ClinVar variation 456419 (VCV000456419.9), dbSNP rs772394815, ClinGen allele CA8814759.

ClinVar aggregate classification (germline): Uncertain significance. Review status: criteria provided, single submitter (1 of 4 stars). 2 submissions from 2 submitters: Uncertain significance (1). 1 of the submissions does not count toward it. Last evaluated 2022-07-12.

Conditions:
Glycogen storage disease, type II (IOPD). Also called: Glucosidase acid-1,4-alpha deficiency; Pompe Disease; POMPE DISEASE, INFANTILE-ONSET; GLYCOGEN STORAGE DISEASE II, INFANTILE-ONSET; ACID ALPHA-GLUCOSIDASE DEFICIENCY, INFANTILE-ONSET; GAA DEFICIENCY, INFANTILE-ONSET. Identifiers: Orphanet 365, MedGen C0017921, MONDO:0009290, OMIM 232300.

Allele frequency attached by ClinVar (database versions not stated): gnomAD exomes 0.00001 and 0.00004; TOPMed 0.00002; gnomAD 0.00003; ExAC 0.00005.

Submissions (2):

Labcorp Genetics (formerly Invitae), Labcorp
Classification: Uncertain significance for Glycogen storage disease, type II. Last evaluated: 2022-07-12. Review status: criteria provided, single submitter. Criteria: Invitae Variant Classification Sherloc (09022015). Collection method: clinical testing. Allele origin: germline.
Comment: This sequence change replaces arginine, which is basic and polar, with tryptophan, which is neutral and slightly polar, at codon 11 of the GAA protein (p.Arg11Trp). This variant is present in population databases (rs772394815, gnomAD 0.03%). This missense change has been observed in individual(s) with Pompe disease (Invitae). In at least one individual the data is consistent with being in trans (on the opposite chromosome) from a pathogenic variant. ClinVar contains an entry for this variant (Variation ID: 456419). Advanced modeling of protein sequence and biophysical properties (such as structural, functional, and spatial information, amino acid conservation, physicochemical variation, residue mobility, and thermodynamic stability) performed at Invitae indicates that this missense variant is not expected to disrupt GAA protein function. In summary, the available evidence is currently insufficient to determine the role of this variant in disease. Therefore, it has been classified as a Variant of Uncertain Significance.

Natera, Inc.
Classification: Uncertain significance for Glycogen storage disease type II. Last evaluated: 2019-10-28. Review status: no assertion criteria provided. Collection method: clinical testing. Allele origin: germline. Not counted in ClinVar's aggregate classification.